The following is an entry in ClinVar:

NM_000321.3(RB1):c.2339C>G (p.Ser780Ter)

Gene: RB1 (RB transcriptional corepressor 1; plus strand). Cytogenetic location: 13q14.2.
Variant type: single nucleotide variant.
Coding change: c.2339C>G on transcript NM_000321.3 (MANE Select); coding-DNA position 2339, C replaced by G.
Protein change: p.Ser780Ter; replaces serine 780 with a stop codon.
Molecular consequence: nonsense.
Genome position (GRCh38, 1-based): chr13:48,465,218, C>G. VCF-style: chr13-48465218-C-G. GRCh37 (hg19) VCF-style: chr13-49039354-C-G.
Other names: short protein forms S780*.
Identifiers: ClinVar variation 661686 (VCV000661686.7), dbSNP rs1593539366, ClinGen allele CA388167776.
Genomic context (GRCh38, chr13:48,465,218, plus strand): 5'-CCACCAAAACATTAAATAAATAATCTACTTTTTTGTTTTTGCTCTAGCCCCCTACCTTGT[C>G]ACCAATACCTCACATTCCTCGAAGCCCTTACAAGTTTCCTAGTTCACCCTTACGGATTCC-3'

ClinVar aggregate classification (germline): Pathogenic. Review status: criteria provided, multiple submitters, no conflicts (2 of 4 stars). 2 submissions from 2 submitters: Pathogenic (2). Last evaluated 2024-06-17.

Conditions:
Retinoblastoma (RB1). Also called: RETINOBLASTOMA, SOMATIC. Identifiers: Orphanet 790, MedGen C0035335, MeSH D012175, MONDO:0008380, OMIM 180200, HP:0009919. Disease mechanism: loss of function. Inheritance: Both sporadic and heritable forms are tested..

Submissions (2):

Labcorp Genetics (formerly Invitae), Labcorp
Classification: Pathogenic for Retinoblastoma. Last evaluated: 2024-06-17. Review status: criteria provided, single submitter. Criteria: Invitae Variant Classification Sherloc (09022015). Collection method: clinical testing. Allele origin: germline.
Comment: This sequence change creates a premature translational stop signal (p.Ser780*) in the RB1 gene. It is expected to result in an absent or disrupted protein product. Loss-of-function variants in RB1 are known to be pathogenic (PMID: 17096365). This variant is not present in population databases (gnomAD no frequency). This variant has not been reported in the literature in individuals affected with RB1-related conditions. ClinVar contains an entry for this variant (Variation ID: 661686). For these reasons, this variant has been classified as Pathogenic.

Genetic Diagnostic Laboratory, University of Pennsylvania School of Medicine
Classification: Pathogenic for Retinoblastoma. Last evaluated: 2024-05-20. Review status: criteria provided, single submitter. Criteria: ACMG Guidelines, 2015. Collection method: clinical testing. Allele origin: germline. Affected: yes. Observed: 1 variant allele.
Comment: Case and Pedigree Information: BILATERAL CASES:0, UNILATERAL CASES:1, TOTAL CASES:1, PEDIGREES:1. ACMG Codes Applied:PVS1, PM2

Literature cited by the submitters: PubMed 17096365 (cited by Labcorp Genetics (formerly Invitae), Labcorp).